The following is an entry in ClinVar:

NM_004656.4(BAP1):c.1437del (p.Thr480fs)

Gene: BAP1 (BRCA1 associated deubiquitinase 1; minus strand). Cytogenetic location: 3p21.1.
Variant type: Deletion.
Coding change: c.1437del on transcript NM_004656.4 (MANE Select); coding-DNA position 1437, one base deleted (C; older notation c.1437delC).
Protein change: p.Thr480fs; shifts the reading frame from threonine 480.
Molecular consequence: frameshift variant.
Genome position (GRCh38, 1-based): chr3:52,403,708, G deleted on the plus strand (C on the coding strand, the reverse complement: BAP1 is on the minus strand); the first of 3 consecutive G bases (chr3:52,403,708-52,403,710); deleting any one gives the same sequence. VCF-style (leftmost placement, unchanged base first): chr3-52403707-TG-T. GRCh37 (hg19) VCF-style: chr3-52437723-TG-T.
Other names: c.1437delC (NM_004656.2); short protein forms T480fs.
Identifiers: ClinVar variation 856406 (VCV000856406.8), dbSNP rs869160449, ClinGen allele CA74740788.

ClinVar aggregate classification (germline): Pathogenic. Review status: criteria provided, multiple submitters, no conflicts (2 of 4 stars). 2 submissions from 2 submitters: Pathogenic (2). Last evaluated 2024-10-29.

Conditions:
BAP1-related tumor predisposition syndrome (TPDS1). Also called: COMMON Syndrome; Tumor susceptibility linked to germline BAP1 mutations; TUMOR PREDISPOSITION SYNDROME 1; BAP1 tumor predisposition syndrome. Identifiers: Orphanet 289539, MedGen C3280492, MONDO:0013692, OMIM 614327.
Hereditary cancer-predisposing syndrome. Also called: Tumor predisposition; Hereditary neoplastic syndrome; Neoplastic Syndromes, Hereditary; Hereditary Cancer Syndrome. Identifiers: Orphanet 140162, MedGen C0027672, MeSH D009386, MONDO:0015356.

Submissions (2):

Ambry Genetics
Classification: Pathogenic for Hereditary cancer-predisposing syndrome. Last evaluated: 2024-10-29. Review status: criteria provided, single submitter. Criteria: Ambry Variant Classification Scheme 2023. Collection method: clinical testing. Allele origin: germline.
Comment: The c.1437delC variant, located in coding exon 13 of the BAP1 gene, results from a deletion of one nucleotide at nucleotide position 1437, causing a translational frameshift with a predicted alternate stop codon (p.T480Hfs*91). This variant is considered to be rare based on population cohorts in the Genome Aggregation Database (gnomAD). This alteration is expected to result in loss of function by premature protein truncation or nonsense-mediated mRNA decay. As such, this alteration is interpreted as a disease-causing mutation.

Labcorp Genetics (formerly Invitae), Labcorp
Classification: Pathogenic for BAP1-related tumor predisposition syndrome. Last evaluated: 2020-12-12. Review status: criteria provided, single submitter. Criteria: Invitae Variant Classification Sherloc (09022015). Collection method: clinical testing. Allele origin: germline.
Comment: This variant has not been reported in the literature in individuals with BAP1-related conditions. This variant is not present in population databases (ExAC no frequency). This sequence change creates a premature translational stop signal (p.Thr480Hisfs*91) in the BAP1 gene. It is expected to result in an absent or disrupted protein product. Loss-of-function variants in BAP1 are known to be pathogenic (PMID: 21874000, 23684012). For these reasons, this variant has been classified as Pathogenic.

Literature cited by the submitters: PubMed 21874000 (cited by Labcorp Genetics (formerly Invitae), Labcorp); PubMed 23684012 (cited by Labcorp Genetics (formerly Invitae), Labcorp).